The following is an entry in ClinVar:

NM_000228.3(LAMB3):c.911C>T (p.Pro304Leu)

Gene: LAMB3 (laminin subunit beta 3; minus strand). Cytogenetic location: 1q32.2.
Variant type: single nucleotide variant.
Coding change: c.911C>T on transcript NM_000228.3 (MANE Select); coding-DNA position 911, C replaced by T.
Protein change: p.Pro304Leu; replaces proline 304 with leucine.
Molecular consequence: missense variant.
Genome position (GRCh38, 1-based): chr1:209,630,647, G>A on the plus strand (C>T on the coding strand, the complement: LAMB3 is on the minus strand). VCF-style: chr1-209630647-G-A. GRCh37 (hg19) VCF-style: chr1-209803992-G-A.
Other names: c.911C>T, p.Pro304Leu (NM_001017402.2, NM_001127641.1); short protein forms P304L.
Identifiers: ClinVar variation 295124 (VCV000295124.6), dbSNP rs114394307, ClinGen allele CA1375788.

ClinVar aggregate classification (germline): Uncertain significance. Review status: criteria provided, multiple submitters, no conflicts (2 of 4 stars). 2 submissions from 2 submitters: Uncertain significance (2). Last evaluated 2024-01-20.

Conditions:
Junctional epidermolysis bullosa. Identifiers: Orphanet 305, MedGen C0079301, MONDO:0017612.

Allele frequency attached by ClinVar (database versions not stated): gnomAD exomes 0.00037; 1000 Genomes Project 0.00040; ExAC 0.00050; ESP Exome Variant Server 0.00023; TOPMed 0.00013; gnomAD 0.00019; 1000 Genomes Project 30x 0.00031.
gnomAD v4.1: 568 of 1,614,134 alleles (0.035%); highest among the groups gnomAD compares: Non-Finnish European, 0.04%; 1 homozygote.

Submissions (2):

Labcorp Genetics (formerly Invitae), Labcorp
Classification: Uncertain significance. Last evaluated: 2024-01-20. Review status: criteria provided, single submitter. Criteria: Invitae Variant Classification Sherloc (09022015). Collection method: clinical testing. Allele origin: germline.
Comment: This sequence change replaces proline, which is neutral and non-polar, with leucine, which is neutral and non-polar, at codon 304 of the LAMB3 protein (p.Pro304Leu). This variant is present in population databases (rs114394307, gnomAD 0.07%). This variant has not been reported in the literature in individuals affected with LAMB3-related conditions. ClinVar contains an entry for this variant (Variation ID: 295124). Advanced modeling of protein sequence and biophysical properties (such as structural, functional, and spatial information, amino acid conservation, physicochemical variation, residue mobility, and thermodynamic stability) performed at Invitae indicates that this missense variant is expected to disrupt LAMB3 protein function with a positive predictive value of 80%. In summary, the available evidence is currently insufficient to determine the role of this variant in disease. Therefore, it has been classified as a Variant of Uncertain Significance.

Illumina Laboratory Services, Illumina
Classification: Uncertain significance for Junctional epidermolysis bullosa. Last evaluated: 2018-01-12. Review status: criteria provided, single submitter. Criteria: ICSL Variant Classification Criteria 13 December 2019. Collection method: clinical testing. Allele origin: germline.